The following is an entry in ClinVar:

ClinVar aggregate classification (germline): Uncertain significance (1 of 4 stars; one submission).

Conditions:
Inborn genetic diseases. Identifiers: MedGen C0950123, MeSH D030342.

Submission:

Ambry Genetics
Classification: Uncertain significance for Inborn genetic diseases. Last evaluated: 2025-02-27. Review status: criteria provided, single submitter. Criteria: Ambry Variant Classification Scheme 2023. Collection method: clinical testing. Allele origin: germline.
Comment: The c.298+5G>T intronic variant results from a G to T substitution 5 nucleotides after coding exon 3 in the DDX41 gene. This nucleotide position is not well conserved in available vertebrate species. In silico splice site analysis predicts that this alteration may weaken the native splice donor site; however, direct evidence is insufficient at this time (Ambry internal data). Based on the available evidence, the clinical significance of this variant remains unclear.

NM_016222.4(DDX41):c.298+5G>T

Gene: DDX41 (DEAD-box helicase 41; minus strand). Cytogenetic location: 5q35.3.
Variant type: single nucleotide variant.
Coding change: c.298+5G>T on transcript NM_016222.4 (MANE Select); 5 bases into the intron after coding-DNA position 298, G replaced by T.
Molecular consequence: intron variant.
Genome position (GRCh38, 1-based): chr5:177,516,283, C>A on the plus strand (G>T on the coding strand, the complement: DDX41 is on the minus strand). VCF-style: chr5-177516283-C-A. GRCh37 (hg19) VCF-style: chr5-176943284-C-A.
Other names: c.-81+5G>T (NM_001321830.2, NM_001321732.2).
Identifiers: ClinVar variation 3839038 (VCV003839038.1).